The following is an entry in ClinVar:

NM_001005361.3(DNM2):c.2534G>T (p.Gly845Val)

Gene: DNM2 (dynamin 2; plus strand). Cytogenetic location: 19p13.2.
Variant type: single nucleotide variant.
Coding change: c.2534G>T on transcript NM_001005361.3 (MANE Select); coding-DNA position 2534, G replaced by T.
Protein change: p.Gly845Val; replaces glycine 845 with valine.
Molecular consequence: missense variant.
Genome position (GRCh38, 1-based): chr19:10,830,369, G>T. VCF-style: chr19-10830369-G-T. GRCh37 (hg19) VCF-style: chr19-10941045-G-T.
Other names: c.2534G>T, p.Gly845Val (NM_001005360.3, NM_001190716.2); c.2522G>T, p.Gly841Val (NM_001005362.3, NM_004945.4); short protein forms G841V, G845V.
Identifiers: ClinVar variation 2719599 (VCV002719599.3), dbSNP rs2513377897, ClinGen allele CA404044381.
Genomic context (GRCh38, chr19:10,830,369, plus strand): 5'-TCCCAGCCCCGCCTCAGATCCCATCTCGGCCAGTTCGGATCCCCCCAGGGATTCCCCCAG[G>T]AGTGCCCAGGTAAGGCCAACCCCCTGCCCTCCACCCCAACTGCCTGCACCCTGGGGTCTC-3'
Protein context (NP_001005361.1, residues 835-855): PVRIPPGIPP[Gly845Val]VPSRRPPAAP

ClinVar aggregate classification (germline): Uncertain significance (1 of 4 stars; one submission).

Conditions:
Charcot-Marie-Tooth disease dominant intermediate B (CMTDIB). Also called: CHARCOT-MARIE-TOOTH NEUROPATHY, DOMINANT INTERMEDIATE B; Charcot-Marie-Tooth disease dominant intermediate 1; CMT DI1; Charcot-Marie-Tooth disease dominant intermediate I. Identifiers: Orphanet 100044, Orphanet 228179, MedGen C1847902, MONDO:0011674, OMIM 606482.

Submission:

Labcorp Genetics (formerly Invitae), Labcorp
Classification: Uncertain significance for Charcot-Marie-Tooth disease dominant intermediate B. Last evaluated: 2024-01-16. Review status: criteria provided, single submitter. Criteria: Invitae Variant Classification Sherloc (09022015). Collection method: clinical testing. Allele origin: germline.
Comment: This sequence change replaces glycine, which is neutral and non-polar, with valine, which is neutral and non-polar, at codon 845 of the DNM2 protein (p.Gly845Val). This variant is not present in population databases (gnomAD no frequency). This variant has not been reported in the literature in individuals affected with DNM2-related conditions. Advanced modeling of protein sequence and biophysical properties (such as structural, functional, and spatial information, amino acid conservation, physicochemical variation, residue mobility, and thermodynamic stability) has been performed at Invitae for this missense variant, however the output from this modeling did not meet the statistical confidence thresholds required to predict the impact of this variant on DNM2 protein function. In summary, the available evidence is currently insufficient to determine the role of this variant in disease. Therefore, it has been classified as a Variant of Uncertain Significance.